The following is an entry in ClinVar:

NM_001457.4(FLNB):c.609G>T (p.Gln203His)

Gene: FLNB (filamin B; plus strand). Cytogenetic location: 3p14.3.
Variant type: single nucleotide variant.
Coding change: c.609G>T on transcript NM_001457.4 (MANE Select); coding-DNA position 609, G replaced by T.
Protein change: p.Gln203His; replaces glutamine 203 with histidine.
Molecular consequence: missense variant.
Genome position (GRCh38, 1-based): chr3:58,078,784, G>T. VCF-style: chr3-58078784-G-T. GRCh37 (hg19) VCF-style: chr3-58064511-G-T.
Other names: c.609G>T, p.Gln203His (NM_001164319.2, NM_001164317.2, NM_001164318.2); short protein forms Q203H.
Identifiers: ClinVar variation 1463162 (VCV001463162.8), dbSNP rs1209200091, ClinGen allele CA353333905.

ClinVar aggregate classification (germline): Uncertain significance (1 of 4 stars; one submission).

Allele frequency attached by ClinVar (database versions not stated): gnomAD exomes below 0.00001.
gnomAD v4.1: 1 of 1,613,568 alleles (0.000062%); highest among the groups gnomAD compares: Admixed American, 0.0017%; no homozygotes.

Submission:

Labcorp Genetics (formerly Invitae), Labcorp
Classification: Uncertain significance. Last evaluated: 2021-05-17. Review status: criteria provided, single submitter. Criteria: Invitae Variant Classification Sherloc (09022015). Collection method: clinical testing. Allele origin: germline.
Comment: In summary, the available evidence is currently insufficient to determine the role of this variant in disease. Therefore, it has been classified as a Variant of Uncertain Significance. Advanced modeling of protein sequence and biophysical properties (such as structural, functional, and spatial information, amino acid conservation, physicochemical variation, residue mobility, and thermodynamic stability) performed at Invitae indicates that this missense variant is not expected to disrupt FLNB protein function. This variant has not been reported in the literature in individuals with FLNB-related conditions. This variant is not present in population databases (ExAC no frequency). This sequence change replaces glutamine with histidine at codon 203 of the FLNB protein (p.Gln203His). The glutamine residue is highly conserved and there is a small physicochemical difference between glutamine and histidine.